The following is an entry in ClinVar:

ClinVar aggregate classification (germline): Uncertain significance. Review status: criteria provided, multiple submitters, no conflicts (2 of 4 stars). 2 submissions from 2 submitters: Uncertain significance (2). Last evaluated 2024-04-04.

Conditions:
Inborn genetic diseases. Identifiers: MedGen C0950123, MeSH D030342.
Chédiak-Higashi syndrome (CHS). Also called: Chediak-Higashi Syndrome. Identifiers: Orphanet 167, MedGen C0007965, MONDO:0008963, OMIM 214500.

Allele frequency attached by ClinVar (database versions not stated): gnomAD exomes 0.00001.
gnomAD v4.1: 11 of 1,613,916 alleles (0.00068%); highest among the groups gnomAD compares: Non-Finnish European, 0.00093%; no homozygotes.

Submissions (2):

Ambry Genetics
Classification: Uncertain significance for Inborn genetic diseases. Last evaluated: 2024-04-04. Review status: criteria provided, single submitter. Criteria: Ambry Variant Classification Scheme 2023. Collection method: clinical testing. Allele origin: germline.

Labcorp Genetics (formerly Invitae), Labcorp
Classification: Uncertain significance for Chédiak-Higashi syndrome. Last evaluated: 2022-07-25. Review status: criteria provided, single submitter. Criteria: Invitae Variant Classification Sherloc (09022015). Collection method: clinical testing. Allele origin: germline.
Comment: This sequence change replaces asparagine, which is neutral and polar, with serine, which is neutral and polar, at codon 17 of the LYST protein (p.Asn17Ser). This variant is present in population databases (no rsID available, gnomAD 0.0009%). This variant has not been reported in the literature in individuals affected with LYST-related conditions. ClinVar contains an entry for this variant (Variation ID: 951213). Algorithms developed to predict the effect of missense changes on protein structure and function are either unavailable or do not agree on the potential impact of this missense change (SIFT: "Deleterious"; PolyPhen-2: "Possibly Damaging"; Align-GVGD: "Class C0"). In summary, the available evidence is currently insufficient to determine the role of this variant in disease. Therefore, it has been classified as a Variant of Uncertain Significance.

NM_000081.4(LYST):c.50A>G (p.Asn17Ser)

Gene: LYST (lysosomal trafficking regulator; minus strand). Cytogenetic location: 1q42.3.
Variant type: single nucleotide variant.
Coding change: c.50A>G on transcript NM_000081.4 (MANE Select); coding-DNA position 50, A replaced by G.
Protein change: p.Asn17Ser; replaces asparagine 17 with serine.
Molecular consequence: missense variant. On other transcripts: non-coding transcript variant (1).
Genome position (GRCh38, 1-based): chr1:235,830,368, T>C on the plus strand (A>G on the coding strand, the complement: LYST is on the minus strand). VCF-style: chr1-235830368-T-C. GRCh37 (hg19) VCF-style: chr1-235993668-T-C.
Other names: c.50A>G, p.Asn17Ser (NM_001301365.1); c.50A>G (NM_000081.2); short protein forms N17S.
Identifiers: ClinVar variation 951213 (VCV000951213.7), dbSNP rs1177000208, ClinGen allele CA344969379.